The following is an entry in ClinVar:

ClinVar aggregate classification (germline): Likely benign (1 of 4 stars; one submission).

Allele frequency attached by ClinVar (database versions not stated): gnomAD exomes 0.00005; ExAC 0.00007; TOPMed 0.00007; gnomAD 0.00008; ESP Exome Variant Server 0.00009.

Submission:

CeGaT Center for Human Genetics Tuebingen
Classification: Likely benign. Last evaluated: 2023-04-01. Review status: criteria provided, single submitter. Criteria: CeGaT Center For Human Genetics Tuebingen Variant Classification Criteria Version 2. Collection method: clinical testing. Allele origin: germline. Affected: yes. Observed: 1 variant allele.
Comment: ACOT9: BP4, BP7, BS2

NM_001037171.2(ACOT9):c.1332C>T (p.Tyr444=)

Gene: ACOT9 (acyl-CoA thioesterase 9; minus strand). Cytogenetic location: Xp22.11.
Variant type: single nucleotide variant.
Coding change: c.1332C>T on transcript NM_001037171.2 (MANE Select); coding-DNA position 1332, C replaced by T.
Protein change: p.Tyr444=; no amino-acid change (tyrosine 444 retained).
Molecular consequence: synonymous variant.
Genome position (GRCh38, 1-based): chrX:23,703,909, G>A on the plus strand (C>T on the coding strand, the complement: ACOT9 is on the minus strand). VCF-style: chrX-23703909-G-A. GRCh37 (hg19) VCF-style: chrX-23722026-G-A.
Other names: c.1305C>T, p.Tyr435= (NM_001033583.3); c.1125C>T, p.Tyr375= (NM_001330259.2).
Identifiers: ClinVar variation 2660168 (VCV002660168.24), dbSNP rs367791680, ClinGen allele CA10369496.
Genomic context (GRCh38, chrX:23,703,909, plus strand): 5'-ACGTCACTGTGGGTAGAGTGCTAGTTTTCAACAAATGTGGTGTTCTTAGGGCTCCACAAG[G>A]TAGTCCTTTCTCAAGGTCGCTGGGCCACTCATGGAGTTGAAATGCCGCTGCCCATCTAAG-3'
Protein context (NP_001032248.1, residues 434-448): MSGPATLRKD[Tyr444=]LVEP